The following is an entry in ClinVar:

NC_000015.9:g.(?_28171253)_(28277329_?)del

Gene: OCA2 (OCA2 melanosomal transmembrane protein; minus strand). Cytogenetic location: 15q13.1.
Variant type: Deletion.
Identifiers: ClinVar variation 2422775 (VCV002422775.3).

ClinVar aggregate classification (germline): Pathogenic (1 of 4 stars; one submission).

Submission:

Labcorp Genetics (formerly Invitae), Labcorp
Classification: Pathogenic. Last evaluated: 2024-01-11. Review status: criteria provided, single submitter. Criteria: Invitae Variant Classification Sherloc (09022015). Collection method: clinical testing. Allele origin: germline.
Comment: This variant is a gross deletion of the genomic region encompassing exon(s) 3-19 of the OCA2 gene. This deletion is out-of-frame, and is expected to create a premature termination codon and result in an absent or disrupted protein product. Loss-of-function variants in OCA2 are known to be pathogenic (PMID: 19865097, 21541274). A similar copy number variant has been observed in individual(s) with ocular albinism, (PMID: 28914264). For these reasons, this variant has been classified as Pathogenic.

Literature cited by the submitters: PubMed 19865097; PubMed 21541274; PubMed 28914264.